The following is an entry in ClinVar:

NM_001754.5(RUNX1):c.844G>C (p.Asp282His)

Gene: RUNX1 (RUNX family transcription factor 1; minus strand). Cytogenetic location: 21q22.12.
Variant type: single nucleotide variant.
Coding change: c.844G>C on transcript NM_001754.5 (MANE Select); coding-DNA position 844, G replaced by C.
Protein change: p.Asp282His; replaces aspartic acid 282 with histidine.
Molecular consequence: missense variant.
Genome position (GRCh38, 1-based): chr21:34,799,424, C>G on the plus strand (G>C on the coding strand, the complement: RUNX1 is on the minus strand). VCF-style: chr21-34799424-C-G. GRCh37 (hg19) VCF-style: chr21-36171721-C-G.
Other names: NM_001754.5(RUNX1):c.844G>C; p.Asp282His; c.763G>C, p.Asp255His (NM_001001890.3); short protein forms D255H, D282H.
Identifiers: ClinVar variation 2866349 (VCV002866349.6), dbSNP rs762953695, ClinGen allele CA410150195.

ClinVar aggregate classification (germline): Uncertain significance. Review status: reviewed by expert panel (3 of 4 stars). 3 submissions from 3 submitters: Uncertain significance (1). 2 of the submissions do not count toward it. Last evaluated 2025-01-15.

Conditions:
Inborn genetic diseases. Identifiers: MedGen C0950123, MeSH D030342.
Hereditary thrombocytopenia and hematological cancer predisposition syndrome associated with RUNX1. Also called: Familial Platelet Disorder with Propensity to Acute Myelogenous Leukemia; Familial thrombocytopenia with propensity to acute myelogenous leukemia; PLATELET DISORDER, ASPIRIN-LIKE; RUNX1 Familial Platelet Disorder with Associated Myeloid Malignancies. Identifiers: Orphanet 71290, MedGen C1832388, MeSH C563324, MONDO:0100083, OMIM 601399.
Hereditary thrombocytopenia and hematologic cancer predisposition syndrome. Identifiers: Orphanet 71290, MedGen CN281654, MONDO:0011071.

Submissions (3):

ClinGen Myeloid Malignancy Variant Curation Expert Panel
Classification: Uncertain significance for Hereditary thrombocytopenia and hematologic cancer predisposition syndrome. Last evaluated: 2025-01-15. Review status: reviewed by expert panel. Criteria: ClinGen MyeloMalig ACMG Specifications v2. Collection method: curation. Allele origin: germline. Inheritance: Autosomal dominant inheritance.
Comment: NM_001754.5(RUNX1):c.844G>C (p.Asp282His) is a missense variant which has a REVEL score < 0.50 (0.393), and a SpliceAI score ≤ 0.20 (0.02) (BP4). This variant is completely absent from all population databases with at least 20x coverage for RUNX1 (PM2_Supporting). In summary, the clinical significance of this variant is uncertain. ACMG/AMP criteria applied, as specified by the Myeloid Malignancy Variant Curation Expert Panel for RUNX1: BP4, PM2_supporting.

Ambry Genetics
Classification: Uncertain significance for Inborn genetic diseases. Last evaluated: 2025-09-19. Review status: criteria provided, single submitter. Criteria: Ambry Variant Classification Scheme 2023. Collection method: clinical testing. Allele origin: germline. Not counted in ClinVar's aggregate classification.
Comment: The p.D282H variant (also known as c.844G>C), located in coding exon 7 of the RUNX1 gene, results from a G to C substitution at nucleotide position 844. The aspartic acid at codon 282 is replaced by histidine, an amino acid with similar properties. This amino acid position is conserved. In addition, the in silico prediction for this alteration is inconclusive. Based on the available evidence, the clinical significance of this variant remains unclear.

Labcorp Genetics (formerly Invitae), Labcorp
Classification: Uncertain significance for Hereditary thrombocytopenia and hematological cancer predisposition syndrome associated with RUNX1. Last evaluated: 2023-05-20. Review status: criteria provided, single submitter. Criteria: Invitae Variant Classification Sherloc (09022015). Collection method: clinical testing. Allele origin: germline. Not counted in ClinVar's aggregate classification.
Comment: This variant is not present in population databases (gnomAD no frequency). This sequence change replaces aspartic acid, which is acidic and polar, with histidine, which is basic and polar, at codon 282 of the RUNX1 protein (p.Asp282His). This variant has not been reported in the literature in individuals affected with RUNX1-related conditions. In summary, the available evidence is currently insufficient to determine the role of this variant in disease. Therefore, it has been classified as a Variant of Uncertain Significance. Advanced modeling of protein sequence and biophysical properties (such as structural, functional, and spatial information, amino acid conservation, physicochemical variation, residue mobility, and thermodynamic stability) performed at Invitae indicates that this missense variant is not expected to disrupt RUNX1 protein function.